The following is an entry in ClinVar:

NM_173630.4(RTTN):c.3047C>T (p.Pro1016Leu)

Gene: RTTN (rotatin; minus strand). Cytogenetic location: 18q22.2.
Variant type: single nucleotide variant.
Coding change: c.3047C>T on transcript NM_173630.4 (MANE Select); coding-DNA position 3047, C replaced by T.
Protein change: p.Pro1016Leu; replaces proline 1016 with leucine.
Molecular consequence: missense variant.
Genome position (GRCh38, 1-based): chr18:70,128,454, G>A on the plus strand (C>T on the coding strand, the complement: RTTN is on the minus strand). VCF-style: chr18-70128454-G-A. GRCh37 (hg19) VCF-style: chr18-67795690-G-A.
Other names: c.3047C>T (NM_173630.3); c.311C>T, p.Pro104Leu (NM_001318520.2); short protein forms P104L, P1016L.
Identifiers: ClinVar variation 1502895 (VCV001502895.10), dbSNP rs376633925, ClinGen allele CA8995681.

ClinVar aggregate classification (germline): Uncertain significance. Review status: criteria provided, multiple submitters, no conflicts (2 of 4 stars). 3 submissions from 3 submitters: Uncertain significance (3). Last evaluated 2024-11-14.

Conditions:
Inborn genetic diseases. Identifiers: MedGen C0950123, MeSH D030342.

Allele frequency attached by ClinVar (database versions not stated): ExAC 0.00001; gnomAD 0.00001; TOPMed 0.00001; gnomAD exomes 0.00002; ESP Exome Variant Server 0.00008.
gnomAD v4.1: 36 of 1,613,178 alleles (0.0022%); highest among the groups gnomAD compares: Admixed American, 0.005%; no homozygotes.

Submissions (3):

Ambry Genetics
Classification: Uncertain significance for Inborn genetic diseases. Last evaluated: 2024-11-14. Review status: criteria provided, single submitter. Criteria: Ambry Variant Classification Scheme 2023. Collection method: clinical testing. Allele origin: germline.

GeneDx
Classification: Uncertain significance. Last evaluated: 2024-09-19. Review status: criteria provided, single submitter. Criteria: GeneDx Variant Classification Process June 2021. Collection method: clinical testing. Allele origin: germline. Affected: yes.
Comment: Not observed at significant frequency in large population cohorts (gnomAD); In silico analysis supports that this missense variant has a deleterious effect on protein structure/function; Has not been previously published as pathogenic or benign to our knowledge

Labcorp Genetics (formerly Invitae), Labcorp
Classification: Uncertain significance. Last evaluated: 2022-05-28. Review status: criteria provided, single submitter. Criteria: Invitae Variant Classification Sherloc (09022015). Collection method: clinical testing. Allele origin: germline.
Comment: Algorithms developed to predict the effect of missense changes on protein structure and function (SIFT, PolyPhen-2, Align-GVGD) all suggest that this variant is likely to be disruptive. In summary, the available evidence is currently insufficient to determine the role of this variant in disease. Therefore, it has been classified as a Variant of Uncertain Significance. ClinVar contains an entry for this variant (Variation ID: 1502895). This variant has not been reported in the literature in individuals affected with RTTN-related conditions. This variant is present in population databases (rs376633925, gnomAD 0.003%). This sequence change replaces proline, which is neutral and non-polar, with leucine, which is neutral and non-polar, at codon 1016 of the RTTN protein (p.Pro1016Leu).